The following is an entry in ClinVar:

ClinVar aggregate classification (germline): Uncertain significance. Review status: criteria provided, multiple submitters, no conflicts (2 of 4 stars). 2 submissions from 2 submitters: Uncertain significance (2). Last evaluated 2024-05-18.

Conditions:
Hereditary cancer-predisposing syndrome. Also called: Neoplastic Syndromes, Hereditary; Tumor predisposition; Hereditary Cancer Syndrome; Hereditary neoplastic syndrome. Identifiers: Orphanet 140162, MedGen C0027672, MeSH D009386, MONDO:0015356.
Fanconi anemia complementation group J. Also called: BRIP1-Related Fanconi Anemia. Identifiers: Orphanet 84, MedGen C1836860, MONDO:0012187, OMIM 609054.
Familial cancer of breast. Also called: BREAST CANCER, FAMILIAL; Hereditary breast cancer; hereditary breast carcinoma. Identifiers: Orphanet 227535, MedGen C0346153, MONDO:0016419, OMIM 114480. Disease mechanism: loss of function.

Submissions (2):

Labcorp Genetics (formerly Invitae), Labcorp
Classification: Uncertain significance for Familial cancer of breast; Fanconi anemia complementation group J. Last evaluated: 2024-05-18. Review status: criteria provided, single submitter. Criteria: Invitae Variant Classification Sherloc (09022015). Collection method: clinical testing. Allele origin: germline.
Comment: This sequence change replaces leucine, which is neutral and non-polar, with valine, which is neutral and non-polar, at codon 1107 of the BRIP1 protein (p.Leu1107Val). This variant is not present in population databases (gnomAD no frequency). This variant has not been reported in the literature in individuals affected with BRIP1-related conditions. ClinVar contains an entry for this variant (Variation ID: 1730163). Algorithms developed to predict the effect of missense changes on protein structure and function output the following: SIFT: "Not Available"; PolyPhen-2: "Benign"; Align-GVGD: "Not Available". The valine amino acid residue is found in multiple mammalian species, which suggests that this missense change does not adversely affect protein function. In summary, the available evidence is currently insufficient to determine the role of this variant in disease. Therefore, it has been classified as a Variant of Uncertain Significance.

Ambry Genetics
Classification: Uncertain significance for Hereditary cancer-predisposing syndrome. Last evaluated: 2024-02-04. Review status: criteria provided, single submitter. Criteria: Ambry Variant Classification Scheme 2023. Collection method: clinical testing. Allele origin: germline.
Comment: The p.L1107V variant (also known as c.3319C>G), located in coding exon 19 of the BRIP1 gene, results from a C to G substitution at nucleotide position 3319. The leucine at codon 1107 is replaced by valine, an amino acid with highly similar properties. This amino acid position is poorly conserved in available vertebrate species. In addition, this alteration is predicted to be tolerated by in silico analysis. Since supporting evidence is limited at this time, the clinical significance of this alteration remains unclear.

NM_032043.3(BRIP1):c.3319C>G (p.Leu1107Val)

Gene: BRIP1 (BRCA1 interacting DNA helicase 1; minus strand). Cytogenetic location: 17q23.2.
Variant type: single nucleotide variant.
Coding change: c.3319C>G on transcript NM_032043.3 (MANE Select); coding-DNA position 3319, C replaced by G.
Protein change: p.Leu1107Val; replaces leucine 1107 with valine.
Molecular consequence: missense variant.
Genome position (GRCh38, 1-based): chr17:61,683,727, G>C on the plus strand (C>G on the coding strand, the complement: BRIP1 is on the minus strand). VCF-style: chr17-61683727-G-C. GRCh37 (hg19) VCF-style: chr17-59761088-G-C.
Other names: short protein forms L1107V.
Identifiers: ClinVar variation 1730163 (VCV001730163.4), dbSNP rs2061311711, ClinGen allele CA400478990.